The following is an entry in ClinVar:

NM_003331.5(TYK2):c.850G>A (p.Ala284Thr)

Gene: TYK2 (tyrosine kinase 2; minus strand). Cytogenetic location: 19p13.2.
Variant type: single nucleotide variant.
Coding change: c.850G>A on transcript NM_003331.5 (MANE Select); coding-DNA position 850, G replaced by A.
Protein change: p.Ala284Thr; replaces alanine 284 with threonine.
Molecular consequence: missense variant.
Genome position (GRCh38, 1-based): chr19:10,365,678, C>T on the plus strand (G>A on the coding strand, the complement: TYK2 is on the minus strand). VCF-style: chr19-10365678-C-T. GRCh37 (hg19) VCF-style: chr19-10476354-C-T.
Other names: c.850G>A (LRG_121t1); short protein forms A284T.
Identifiers: ClinVar variation 659860 (VCV000659860.7), dbSNP rs1599351623, ClinGen allele CA404016656.
Genomic context (GRCh38, chr19:10,365,678, plus strand): 5'-CAGGGTCTGTAGGGGCCACCCCACTGTCCCGGATGTAGCAGGGCTCCCCCTCGGCCTGGG[C>T]CAGCAGCCTCAGGTGGCACACGGGCACACGCTCTGTGCCGAAGCGGGGTGCCAGCCGCTC-3'
Protein context (NP_003322.3, residues 274-294): RVPVCHLRLL[Ala284Thr]QAEGEPCYIR

ClinVar aggregate classification (germline): Uncertain significance (1 of 4 stars; one submission).

Conditions:
Immunodeficiency 35 (IMD35). Also called: HIES WITH ATYPICAL MYCOBACTERIOSIS, AUTOSOMAL RECESSIVE; HYPER-IgE SYNDROME WITH ATYPICAL MYCOBACTERIOSIS, AUTOSOMAL RECESSIVE; TYK2 DEFICIENCY; Susceptibility to infection due to TYK2 deficiency. Identifiers: Orphanet 331226, MedGen C1969086, MONDO:0012682, OMIM 611521.

Allele frequency attached by ClinVar (database versions not stated): gnomAD exomes below 0.00001.
gnomAD v4.1: 1 of 1,613,308 alleles (0.000062%); highest among the groups gnomAD compares: Non-Finnish European, 0.000085%; no homozygotes.

Submission:

Labcorp Genetics (formerly Invitae), Labcorp
Classification: Uncertain significance for Immunodeficiency 35. Last evaluated: 2018-10-04. Review status: criteria provided, single submitter. Criteria: Invitae Variant Classification Sherloc (09022015). Collection method: clinical testing. Allele origin: germline.
Comment: This sequence change replaces alanine with threonine at codon 284 of the TYK2 protein (p.Ala284Thr). The alanine residue is highly conserved and there is a small physicochemical difference between alanine and threonine. This variant is not present in population databases (ExAC no frequency). This variant has not been reported in the literature in individuals with TYK2-related disease. Algorithms developed to predict the effect of missense changes on protein structure and function output the following: SIFT: "Tolerated"; PolyPhen-2: "Benign"; Align-GVGD: "Class C0". The threonine amino acid residue is found in multiple mammalian species, suggesting that this missense change does not adversely affect protein function. These predictions have not been confirmed by published functional studies and their clinical significance is uncertain. In summary, the available evidence is currently insufficient to determine the role of this variant in disease. Therefore, it has been classified as a Variant of Uncertain Significance.